The following is an entry in ClinVar:

ClinVar aggregate classification (germline): Conflicting classifications of pathogenicity. Review status: no assertion criteria provided (0 of 4 stars). 2 submissions from 2 submitters: Uncertain significance (1); Likely benign (1). Last evaluated 2017-07-31.

Conditions:
Hurler syndrome. Also called: MUCOPOLYSACCHARIDOSIS TYPE IH; Gargoylism, Hurler Syndrome; Severe MPS I (Hurler Syndrome). Identifiers: Orphanet 93473, MedGen C0086795, MONDO:0011758, OMIM 607014.

Allele frequency attached by ClinVar (database versions not stated): gnomAD exomes 0.00001 and 0.00002; gnomAD 0.00001; TOPMed 0.00002.
gnomAD v4.1: 29 of 1,612,542 alleles (0.0018%); highest among the groups gnomAD compares: Non-Finnish European, 0.0025%; no homozygotes.

Submissions (2):

Counsyl
Classification: Likely benign for Hurler syndrome. Last evaluated: 2017-07-31. Review status: no assertion criteria provided. Collection method: clinical testing. Allele origin: unknown.

Martin Pollak Laboratory,  Beth Israel Deaconess Medical Center
Classification: Uncertain significance. Review status: no assertion criteria provided. Collection method: not provided. Allele origin: unknown.
Comment: Higher UCa2+ group
ClinVar note: Converted during submission from unknown to Uncertain significance.

NM_000203.5(IDUA):c.299+3322C>T

Genes: IDUA (alpha-L-iduronidase; plus strand), SLC26A1 (solute carrier family 26 member 1; minus strand). Cytogenetic location: 4p16.3.
Variant type: single nucleotide variant.
Coding change: c.299+3322C>T on transcript NM_000203.5 (MANE Select); 3322 bases into the intron after coding-DNA position 299, C replaced by T.
Molecular consequence: intron variant. On other transcripts: missense variant (3).
Genome position (GRCh38, 1-based): chr4:991,271, C>T. VCF-style: chr4-991271-C-T. GRCh37 (hg19) VCF-style: chr4-985059-C-T.
Other names: c.433G>A, p.Gly145Ser (NM_022042.4, NM_134425.4, NM_213613.4); short protein forms G145S.
Identifiers: ClinVar variation 64591 (VCV000064591.4), dbSNP rs387907486, ClinGen allele CA216467.